The following is an entry in ClinVar:

ClinVar aggregate classification (germline): Uncertain significance (1 of 4 stars; one submission).

Conditions:
Congenital hypothyroidism. Identifiers: Orphanet 442, MedGen C0010308, MONDO:0018612, HP:0000851.

gnomAD v4.1: 1 of 1,613,712 alleles (0.000062%); highest among the groups gnomAD compares: South Asian, 0.0011%; no homozygotes.

Submission:

Cambridge Genomics Laboratory, East Genomic Laboratory Hub, NHS Genomic Medicine Service
Classification: Uncertain significance for Congenital hypothyroidism. Last evaluated: 2025-06-18. Review status: criteria provided, single submitter. Criteria: ACGS Best Practice Guidelines for Variant Classification in Rare Disease 2020. Collection method: clinical testing. Allele origin: germline. Affected: yes.
Comment: PM2,PP3

NM_001206744.2(TPO):c.608C>A (p.Pro203His)

Gene: TPO (thyroid peroxidase; plus strand). Cytogenetic location: 2p25.3.
Variant type: single nucleotide variant.
Coding change: c.608C>A on transcript NM_001206744.2 (MANE Select); coding-DNA position 608, C replaced by A.
Protein change: p.Pro203His; replaces proline 203 with histidine.
Molecular consequence: missense variant.
Genome position (GRCh38, 1-based): chr2:1,453,819, C>A. VCF-style: chr2-1453819-C-A. GRCh37 (hg19) VCF-style: chr2-1457591-C-A.
Other names: c.608C>A, p.Pro203His (NM_000547.6, NM_001206745.2, NM_175719.4 and 2 more transcripts); short protein forms P203H.
Identifiers: ClinVar variation 4683169 (VCV004683169.1).